The following is an entry in ClinVar:

NM_001370348.2(PHF3):c.454G>T (p.Ala152Ser)

Gene: PHF3 (PHD finger protein 3; plus strand). Cytogenetic location: 6q12.
Variant type: single nucleotide variant.
Coding change: c.454G>T on transcript NM_001370348.2 (MANE Select); coding-DNA position 454, G replaced by T.
Protein change: p.Ala152Ser; replaces alanine 152 with serine.
Molecular consequence: missense variant. On other transcripts: intron variant (1).
Genome position (GRCh38, 1-based): chr6:63,684,176, G>T. VCF-style: chr6-63684176-G-T. GRCh37 (hg19) VCF-style: chr6-64394077-G-T.
Other names: c.190G>T, p.Ala64Ser (NM_001290259.2, NM_001370349.2); c.454G>T, p.Ala152Ser (NM_001290260.2, NM_015153.4); c.-5+4015G>T (NM_001370350.2); short protein forms A152S, A64S.
Identifiers: ClinVar variation 716135 (VCV000716135.5), dbSNP rs34188763, ClinGen allele CA3875510.

ClinVar aggregate classification (germline): Benign. Review status: criteria provided, single submitter (1 of 4 stars). 2 submissions from 2 submitters: Benign (1). 1 of the submissions does not count toward it. Last evaluated 2018-12-27.

Conditions:
PHF3-related disorder. Also called: PHF3-related condition.

Allele frequency attached by ClinVar (database versions not stated): 1000 Genomes Project 0.00419; gnomAD 0.00490 and 0.00540; 1000 Genomes Project 30x 0.00500; TOPMed 0.00534; ESP Exome Variant Server 0.00584.
gnomAD v4.1: 1,535 of 1,613,528 alleles (0.095%); highest among the groups gnomAD compares: African/African-American, 1.8%; 14 homozygotes.

Submissions (2):

Labcorp Genetics (formerly Invitae), Labcorp
Classification: Benign. Last evaluated: 2018-12-27. Review status: criteria provided, single submitter. Criteria: Invitae Variant Classification Sherloc (09022015). Collection method: clinical testing. Allele origin: germline.

PreventionGenetics, part of Exact Sciences
Classification: Benign for PHF3-related condition. Last evaluated: 2019-06-06. Review status: no assertion criteria provided. Collection method: clinical testing. Allele origin: germline. Not counted in ClinVar's aggregate classification.
Comment: This variant is classified as benign based on ACMG/AMP sequence variant interpretation guidelines (Richards et al. 2015 PMID: 25741868, with internal and published modifications).